The following is an entry in ClinVar:

NM_000179.3(MSH6):c.2045del (p.Ser682fs)

Gene: MSH6 (mutS homolog 6; plus strand). Cytogenetic location: 2p16.3.
Variant type: Deletion.
Coding change: c.2045del on transcript NM_000179.3 (MANE Select); coding-DNA position 2045, one base deleted (C; older notation c.2045delC).
Protein change: p.Ser682fs; shifts the reading frame from serine 682.
Molecular consequence: frameshift variant.
Genome position (GRCh38, 1-based): chr2:47,800,028, C deleted. VCF-style (leftmost placement, unchanged base first): chr2-47800027-TC-T. GRCh37 (hg19) VCF-style: chr2-48027166-TC-T.
Other names: c.1655del, p.Ser552fs (NM_001281492.2); c.1139del, p.Ser380fs (NM_001281493.2, NM_001281494.2); c.2141delC, p.Ser714Leufs (NM_001406795.1, NM_001406802.1); c.2045delC, p.Ser682Leufs (NM_001406796.1, NM_001406798.1, NM_001406800.1 and 3 more transcripts); c.1748delC, p.Ser583Leufs (NM_001406797.1, NM_001406801.1, NM_001406805.1 and 10 more transcripts); c.1520delC, p.Ser507Leufs (NM_001406799.1, NM_001406806.1, NM_001406807.1); c.1967delC, p.Ser656Leufs (NM_001406804.1); c.1139delC, p.Ser380Leufs (NM_001406811.1, NM_001406812.1, NM_001406814.1 and 4 more transcripts); and 2 more; short protein forms S682fs, S380fs, S552fs.
Identifiers: ClinVar variation 1784959 (VCV001784959.2), dbSNP rs2530647122, ClinGen allele CA2580067749.
Genomic context (GRCh38, chr2:47,800,027, plus strand): 5'-ATGACTTCAGAGTCTGATTCCATTGGGTTGACACCAGGAGAGAAAAGTGAATTGGCCCTC[TC>T]TGCTCTAGGTGGTTGTGTCTTCTACCTCAAAAAATGCCTTATTGATCAGGAGCTTTTATC-3'

ClinVar aggregate classification (germline): Pathogenic (1 of 4 stars; one submission).

Conditions:
Hereditary cancer-predisposing syndrome. Also called: Neoplastic Syndromes, Hereditary; Tumor predisposition; Hereditary Cancer Syndrome; Hereditary neoplastic syndrome. Identifiers: Orphanet 140162, MedGen C0027672, MeSH D009386, MONDO:0015356.

Submission:

Ambry Genetics
Classification: Pathogenic for Hereditary cancer-predisposing syndrome. Last evaluated: 2022-04-04. Review status: criteria provided, single submitter. Criteria: Ambry Variant Classification Scheme 2023. Collection method: clinical testing. Allele origin: germline.
Comment: The c.2045delC pathogenic mutation, located in coding exon 4 of the MSH6 gene, results from a deletion of one nucleotide at nucleotide position 2045, causing a translational frameshift with a predicted alternate stop codon (p.S682Lfs*3). This alteration is expected to result in loss of function by premature protein truncation or nonsense-mediated mRNA decay. As such, this alteration is interpreted as a disease-causing mutation.